The following is an entry in ClinVar:

ClinVar aggregate classification (germline): Likely pathogenic (1 of 4 stars; one submission).

Submission:

Labcorp Genetics (formerly Invitae), Labcorp
Classification: Likely pathogenic. Last evaluated: 2020-01-21. Review status: criteria provided, single submitter. Criteria: Invitae Variant Classification Sherloc (09022015). Collection method: clinical testing. Allele origin: germline.
Comment: In summary, the currently available evidence indicates that the variant is pathogenic, but additional data are needed to prove that conclusively. Therefore, this variant has been classified as Likely Pathogenic. This variant has been observed in individual(s) with hypophosphatemia (Invitae). It has also been observed to segregate with disease in related individuals. This variant results in a copy number gain of the genomic region encompassing exons 13-20 of the PHEX gene. While the exact position of this variant cannot be determined from this data, sub-genic copy number gains are generally in tandem (PMID: 25640679). This variant would be expected to be in-frame, preserving the integrity of the reading frame.

Literature cited by the submitters: PubMed 25640679.

NC_000023.11:g.(?_22168312)_(22227611_?)dup

Gene: PHEX (phosphate regulating endopeptidase X-linked; plus strand). Cytogenetic location: Xp22.11.
Variant type: Duplication.
Identifiers: ClinVar variation 832496 (VCV000832496.7).